The following is an entry in ClinVar:

ClinVar aggregate classification (germline): Uncertain significance (1 of 4 stars; one submission).

Submission:

GeneDx
Classification: Uncertain significance. Last evaluated: 2026-05-20. Review status: criteria provided, single submitter. Criteria: GeneDx Variant Classification Process June 2021. Collection method: clinical testing. Allele origin: germline.
Comment: Not observed at significant frequency in large population cohorts (gnomAD); In silico analysis supports that this missense variant has a deleterious effect on protein structure/function; Has not been previously published as pathogenic or benign to our knowledge

NM_000834.5(GRIN2B):c.4437T>A (p.Ser1479Arg)

Gene: GRIN2B (glutamate ionotropic receptor NMDA type subunit 2B; minus strand). Cytogenetic location: 12p13.1.
Variant type: single nucleotide variant.
Coding change: c.4437T>A on transcript NM_000834.5 (MANE Select); coding-DNA position 4437, T replaced by A.
Protein change: p.Ser1479Arg; replaces serine 1479 with arginine.
Molecular consequence: missense variant.
Genome position (GRCh38, 1-based): chr12:13,562,801, A>T on the plus strand (T>A on the coding strand, the complement: GRIN2B is on the minus strand). VCF-style: chr12-13562801-A-T. GRCh37 (hg19) VCF-style: chr12-13715735-A-T.
Other names: c.4437T>A, p.Ser1479Arg (NM_001413992.1); short protein forms S1479R.
Identifiers: ClinVar variation 4282155 (VCV004282155.2).